The following is an entry in ClinVar:

ClinVar aggregate classification (germline): Uncertain significance (1 of 4 stars; one submission).

Submission:

Labcorp Genetics (formerly Invitae), Labcorp
Classification: Uncertain significance. Last evaluated: 2022-12-27. Review status: criteria provided, single submitter. Criteria: Invitae Variant Classification Sherloc (09022015). Collection method: clinical testing. Allele origin: germline.
Comment: This sequence change replaces glycine, which is neutral and non-polar, with arginine, which is basic and polar, at codon 116 of the NEUROD1 protein (p.Gly116Arg). This variant is present in population databases (no rsID available, gnomAD 0.0009%). This variant has not been reported in the literature in individuals affected with NEUROD1-related conditions. Advanced modeling of protein sequence and biophysical properties (such as structural, functional, and spatial information, amino acid conservation, physicochemical variation, residue mobility, and thermodynamic stability) performed at Invitae indicates that this missense variant is expected to disrupt NEUROD1 protein function. In summary, the available evidence is currently insufficient to determine the role of this variant in disease. Therefore, it has been classified as a Variant of Uncertain Significance.

NM_002500.5(NEUROD1):c.346G>A (p.Gly116Arg)

Gene: NEUROD1 (neuronal differentiation 1; minus strand). Cytogenetic location: 2q31.3.
Variant type: single nucleotide variant.
Coding change: c.346G>A on transcript NM_002500.5 (MANE Select); coding-DNA position 346, G replaced by A.
Protein change: p.Gly116Arg; replaces glycine 116 with arginine.
Molecular consequence: missense variant.
Genome position (GRCh38, 1-based): chr2:181,678,515, C>T on the plus strand (G>A on the coding strand, the complement: NEUROD1 is on the minus strand). VCF-style: chr2-181678515-C-T. GRCh37 (hg19) VCF-style: chr2-182543242-C-T.
Other names: short protein forms G116R.
Identifiers: ClinVar variation 2823223 (VCV002823223.3), dbSNP rs369944216, ClinGen allele CA349785876.